The following is an entry in ClinVar:

ClinVar aggregate classification (germline): Likely pathogenic (3 of 4 stars; one submission).

Conditions:
Bernard Soulier syndrome (BSS). Also called: GLYCOPROTEIN Ib, PLATELET, DEFICIENCY OF; PLATELET GLYCOPROTEIN Ib DEFICIENCY; VON WILLEBRAND FACTOR RECEPTOR DEFICIENCY; Giant platelet syndrome; Hemorrhagiparous thrombocytic dystrophy; Giant platelet disease. Identifiers: Orphanet 274, MedGen C0005129, MeSH D001606, MONDO:0009276, OMIM 231200.

Submission:

ClinGen Platelet Disorders Variant Curation Expert Panel, ClinGen
Classification: Likely pathogenic for Bernard Soulier syndrome. Last evaluated: 2025-05-01. Review status: reviewed by expert panel. Criteria: ClinGen Platelet ACMG Specifications GP1BA V1.0.0. Collection method: curation. Allele origin: germline. Inheritance: Autosomal recessive inheritance.
Comment: The c.1436dup (p.Leu479PhefsTer19) variant in GP1BA is a frameshift variant that may cause loss of function of the protein, however it is predicted to escape nonsense mediated decay and remove >10% of the protein (PVS1_Strong). At least one patient (Patient BSS18.01 in PMID: 23995613) with this variant had aggregation absent for ristocetin and present for all other agonists, which is highly specific for Bernard-Soulier syndrome. Additionally, the patient had excessive mucocutaneous bleeding and macrothrombocytopenia which are consistent with Bernard-Soulier syndrome (PP4). This variant is absent from gnomAD v4.1.0 (PM2_Supporting). In summary, this variant meets the criteria to be classified as Likely Pathogenic for autosomal recessive Bernard-Soulier syndrome based on the ACMG/AMP criteria applied, as specified by the ClinGen PD VCEP: PVS1_Strong, PP4, PM2_Supporting, and PM3_Supporting (VCEP specifications version 1).

NM_000173.7(GP1BA):c.1436dup (p.Leu479fs)

Gene: GP1BA (glycoprotein Ib platelet subunit alpha; plus strand). Cytogenetic location: 17p13.2.
Variant type: Duplication.
Coding change: c.1436dup on transcript NM_000173.7 (MANE Select); coding-DNA position 1436, one base duplicated (T; older notation c.1436dupT).
Protein change: p.Leu479fs; shifts the reading frame from leucine 479.
Molecular consequence: frameshift variant.
Genome position (GRCh38, 1-based): chr17:4,934,040, T duplicated; the last of 5 consecutive T bases (chr17:4,934,036-4,934,040); duplicating any one gives the same sequence. VCF-style (leftmost placement, unchanged base first): chr17-4934035-A-AT. GRCh37 (hg19) VCF-style: chr17-4837330-A-AT.
Other names: NM_000173.7:c.1436dup; short protein forms L479fs.
Identifiers: ClinVar variation 4087791 (VCV004087791.1).